The following is an entry in ClinVar:

NM_000179.3(MSH6):c.3829G>T (p.Asp1277Tyr)

Gene: MSH6 (mutS homolog 6; plus strand). Cytogenetic location: 2p16.3.
Variant type: single nucleotide variant.
Coding change: c.3829G>T on transcript NM_000179.3 (MANE Select); coding-DNA position 3829, G replaced by T.
Protein change: p.Asp1277Tyr; replaces aspartic acid 1277 with tyrosine.
Molecular consequence: missense variant. On other transcripts: non-coding transcript variant (5), intron variant (1).
Genome position (GRCh38, 1-based): chr2:47,806,479, G>T. VCF-style: chr2-47806479-G-T. GRCh37 (hg19) VCF-style: chr2-48033618-G-T.
Other names: c.3439G>T, p.Asp1147Tyr (NM_001281492.2); c.2923G>T, p.Asp975Tyr (NM_001281493.2, NM_001281494.2, NM_001406811.1 and 6 more transcripts); c.3925G>T, p.Asp1309Tyr (NM_001406795.1); c.3829G>T, p.Asp1277Tyr (NM_001406796.1, NM_001406808.1, NM_001406809.1); c.3532G>T, p.Asp1178Tyr (NM_001406797.1, NM_001406801.1, NM_001406805.1 and 10 more transcripts); c.3655G>T, p.Asp1219Tyr (NM_001406798.1); c.3304G>T, p.Asp1102Tyr (NM_001406799.1, NM_001406806.1, NM_001406807.1); c.3816G>T, p.Lys1272Asn (NM_001406800.1); and 9 more; short protein forms D1102Y, D1147Y, D226Y, D975Y, K1272N, D1277Y, D592Y, D1309Y.
Identifiers: ClinVar variation 2453201 (VCV002453201.2), dbSNP rs2104553213, ClinGen allele CA346761271.

ClinVar aggregate classification (germline): Uncertain significance (1 of 4 stars; one submission).

Conditions:
Hereditary cancer-predisposing syndrome. Also called: Neoplastic Syndromes, Hereditary; Tumor predisposition; Hereditary neoplastic syndrome; Hereditary Cancer Syndrome. Identifiers: Orphanet 140162, MedGen C0027672, MeSH D009386, MONDO:0015356.

Submission:

Ambry Genetics
Classification: Uncertain significance for Hereditary cancer-predisposing syndrome. Last evaluated: 2023-01-17. Review status: criteria provided, single submitter. Criteria: Ambry Variant Classification Scheme 2023. Collection method: clinical testing. Allele origin: germline.
Comment: The p.D1277Y variant (also known as c.3829G>T), located in coding exon 9 of the MSH6 gene, results from a G to T substitution at nucleotide position 3829. The aspartic acid at codon 1277 is replaced by tyrosine, an amino acid with highly dissimilar properties. This amino acid position is conserved. In addition, this alteration is predicted to be deleterious by in silico analysis. Since supporting evidence is limited at this time, the clinical significance of this alteration remains unclear.